The following is an entry in ClinVar:

NM_001448.3(GPC4):c.650C>T (p.Ala217Val)

Gene: GPC4 (glypican 4; minus strand). Cytogenetic location: Xq26.2.
Variant type: single nucleotide variant.
Coding change: c.650C>T on transcript NM_001448.3 (MANE Select); coding-DNA position 650, C replaced by T.
Protein change: p.Ala217Val; replaces alanine 217 with valine.
Molecular consequence: missense variant.
Genome position (GRCh38, 1-based): chrX:133,324,206, G>A on the plus strand (C>T on the coding strand, the complement: GPC4 is on the minus strand). VCF-style: chrX-133324206-G-A. GRCh37 (hg19) VCF-style: chrX-132458234-G-A.
Other names: short protein forms A217V.
Identifiers: ClinVar variation 1030399 (VCV001030399.3), dbSNP rs2068380433, ClinGen allele CA414694576.

ClinVar aggregate classification (germline): Uncertain significance. Review status: criteria provided, multiple submitters, no conflicts (2 of 4 stars). 3 submissions from 3 submitters: Uncertain significance (3). Last evaluated 2024-11-09.

Conditions:
Keipert syndrome (KPTS). Identifiers: Orphanet 2662, MedGen C1850627, MONDO:0009720, OMIM 301026.
Inborn genetic diseases. Identifiers: MedGen C0950123, MeSH D030342.

Allele frequency attached by ClinVar (database versions not stated): gnomAD exomes below 0.00001; TOPMed below 0.00001; gnomAD 0.00002.
gnomAD v4.1: 5 of 1,209,817 alleles (0.00041%); highest among the groups gnomAD compares: African/African-American, 0.0017%; no homozygotes.

Submissions (3):

Ambry Genetics
Classification: Uncertain significance for Inborn genetic diseases. Last evaluated: 2024-11-09. Review status: criteria provided, single submitter. Criteria: Ambry Variant Classification Scheme 2023. Collection method: clinical testing. Allele origin: germline.

Women's Health and Genetics/Laboratory Corporation of America, LabCorp
Classification: Uncertain significance. Last evaluated: 2023-08-13. Review status: criteria provided, single submitter. Criteria: LabCorp Variant Classification Summary - May 2015. Collection method: clinical testing. Allele origin: germline.
Comment: Variant summary: GPC4 c.650C>T (p.Ala217Val) results in a non-conservative amino acid change in the encoded protein sequence. Three of five in-silico tools predict a damaging effect of the variant on protein function. The variant was absent in 182641 control chromosomes (gnomAD v2.1 Exomes dataset). The available data on variant occurrences in the general population are insufficient to allow any conclusion about variant significance. To our knowledge, no occurrence of c.650C>T in individuals affected with Keipert Syndrome and no experimental evidence demonstrating its impact on protein function have been reported. One submitter has reported clinical-significance assessments for this variant to ClinVar after 2014 and has classified the variant as uncertain significance. Based on the evidence outlined above, the variant was classified as uncertain significance.

Baylor Genetics
Classification: Uncertain significance for Keipert syndrome. Last evaluated: 2020-04-15. Review status: criteria provided, single submitter. Criteria: ACMG Guidelines, 2015. Collection method: clinical testing. Allele origin: unknown. Affected: yes.
Comment: This variant was determined to be of uncertain significance according to ACMG Guidelines, 2015 [PMID:25741868].